The following is an entry in ClinVar:

NM_152641.4(ARID2):c.284+1G>T

Gene: ARID2 (AT-rich interaction domain 2; plus strand). Cytogenetic location: 12q12.
Variant type: single nucleotide variant.
Coding change: c.284+1G>T on transcript NM_152641.4 (MANE Select); the canonical splice donor site of the intron after coding-DNA position 284, G replaced by T.
Molecular consequence: splice donor variant.
Genome position (GRCh38, 1-based): chr12:45,731,315, G>T. VCF-style: chr12-45731315-G-T. GRCh37 (hg19) VCF-style: chr12-46125098-G-T.
Other names: c.284+1G>T (NM_001347839.2).
Identifiers: ClinVar variation 4863572 (VCV004863572.1).

ClinVar aggregate classification (germline): Likely pathogenic (1 of 4 stars; one submission).

Conditions:
Inborn genetic diseases. Identifiers: MedGen C0950123, MeSH D030342.

Submission:

Ambry Genetics
Classification: Likely pathogenic for Inborn genetic diseases. Last evaluated: 2026-04-17. Review status: criteria provided, single submitter. Criteria: Ambry Variant Classification Scheme 2023. Collection method: clinical testing. Allele origin: germline.
Comment: The c.284+1G>T intronic variant consists of a G to T substitution one/two nucleotide(s) after exon 3 (coding exon 3) of the ARID2 gene. Variants that disrupt the canonical splice site are expected to cause aberrant splicing, resulting in an abnormal protein or a transcript that is subject to nonsense-mediated mRNA decay. This variant was not reported in population-based cohorts in the Genome Aggregation Database (gnomAD). This nucleotide position is highly conserved in available vertebrate species. In silico splice site analysis predicts that this alteration will weaken the native splice donor site. Based on the available evidence, this alteration is classified as likely pathogenic.